The following is an entry in ClinVar:

ClinVar aggregate classification (germline): Pathogenic/Likely pathogenic. Review status: criteria provided, multiple submitters, no conflicts (2 of 4 stars). 3 submissions from 3 submitters: Pathogenic (2); Likely pathogenic (1). Last evaluated 2025-01-13.

Conditions:
Hypotonia, infantile, with psychomotor retardation and characteristic facies 3 (IHPRF3). Also called: TBCK-Related Neurodevelopmental Disorder. Identifiers: Orphanet 488632, MedGen C5567480, MONDO:0014823, OMIM 616900.

Submissions (3):

Broad Center for Mendelian Genomics, Broad Institute of MIT and Harvard
Classification: Likely pathogenic for Hypotonia, infantile, with psychomotor retardation and characteristic facies 3. Last evaluated: 2025-01-13. Review status: criteria provided, single submitter. Criteria: ACMG Guidelines, 2015. Collection method: curation. Allele origin: germline. Inheritance: Autosomal recessive inheritance.
Comment: The p.Phe675LeufsTer20 variant in TBCK has not been previously reported in the literature in individuals with TBCK-related intellectual disability syndrome, but has been identified in 0.002% (1//59966) of Admixed American chromosomes by the Genome Aggregation Database (gnomAD; dbSNP ID: rs749437743). Although this variant has been seen in the general population in a heterozygous state, its frequency is low enough to be consistent with a recessive carrier frequency. This variant has also been reported in ClinVar (Variation ID: 2104638) and has been interpreted as pathogenic by Invitae. This variant is predicted to cause a frameshift, which alters the protein‚Äôs amino acid sequence beginning at position 675 and leads to a premature termination codon 20 amino acids downstream. This alteration is then predicted to lead to a truncated or absent protein. Loss of function of the TBCK gene is an established disease mechanism in autosomal recessive TBCK-related intellectual disability syndrome. In summary, although additional studies are required to fully establish its clinical significance, this variant is likely pathogenic for autosomal recessive TBCK-related intellectual disability syndrome. ACMG/AMP Criteria applied: PVS1, PM2_supporting (Richards 2015).

3billion
Classification: Pathogenic for Hypotonia, infantile, with psychomotor retardation and characteristic facies 3. Last evaluated: 2024-12-19. Review status: criteria provided, single submitter. Criteria: ACMG Guidelines, 2015. Collection method: clinical testing. Allele origin: germline. Affected: yes.
Comment: The variant is observed at an extremely low frequency in the gnomAD v4.1.0 dataset (total allele frequency: <0.001%). Predicted Consequence/Location: Frameshift: predicted to result in a loss or disruption of normal protein function through nonsense-mediated decay (NMD) or protein truncation. Multiple pathogenic variants are reported downstream of the variant. The variant has been reported to be associated with TBCK-related disorder (ClinVar ID: VCV002104638). Therefore, this variant is classified as Pathogenic according to the recommendation of ACMG/AMP guideline.

Labcorp Genetics (formerly Invitae), Labcorp
Classification: Pathogenic. Last evaluated: 2024-10-24. Review status: criteria provided, single submitter. Criteria: Invitae Variant Classification Sherloc (09022015). Collection method: clinical testing. Allele origin: germline.
Comment: This sequence change creates a premature translational stop signal (p.Phe675Leufs*20) in the TBCK gene. It is expected to result in an absent or disrupted protein product. Loss-of-function variants in TBCK are known to be pathogenic (PMID: 27040692, 30103036). This variant is present in population databases (rs749437743, gnomAD 0.003%). This variant has not been reported in the literature in individuals affected with TBCK-related conditions. ClinVar contains an entry for this variant (Variation ID: 2104638). For these reasons, this variant has been classified as Pathogenic.

Literature cited by the submitters: PubMed 27040692 (cited by Labcorp Genetics (formerly Invitae), Labcorp); PubMed 30103036 (cited by Labcorp Genetics (formerly Invitae), Labcorp).

NM_001163435.3(TBCK):c.2025del (p.Phe675fs)

Gene: TBCK (TBC1 domain containing kinase; minus strand). Cytogenetic location: 4q24.
Variant type: Deletion.
Coding change: c.2025del on transcript NM_001163435.3 (MANE Select); coding-DNA position 2025, one base deleted (T; older notation c.2025delT).
Protein change: p.Phe675fs; shifts the reading frame from phenylalanine 675.
Molecular consequence: frameshift variant.
Genome position (GRCh38, 1-based): chr4:106,193,643, A deleted on the plus strand (T on the coding strand, the reverse complement: TBCK is on the minus strand); the first of 3 consecutive A bases (chr4:106,193,643-106,193,645); deleting any one gives the same sequence. VCF-style (leftmost placement, unchanged base first): chr4-106193642-TA-T. GRCh37 (hg19) VCF-style: chr4-107114799-TA-T.
Other names: NM_001163435.3(TBCK):c.2025del; p.Phe675fs; c.2025del, p.Phe675fs (NM_001163436.4); c.1908del, p.Phe636fs (NM_001163437.3); c.1509del, p.Phe503fs (NM_001290768.2); c.1836del, p.Phe612fs (NM_033115.5); short protein forms F675fs, F503fs, F636fs, F612fs.
Identifiers: ClinVar variation 2104638 (VCV002104638.6), dbSNP rs749437743, ClinGen allele CA3034828.
Genomic context (GRCh38, chr4:106,193,642, plus strand): 5'-AATGGCTCCATTTATTTAGATCTATACCTGGTAAATCGGAGAAGAGAAGAATACACTCAT[TA>T]AAGCCATTAGCCAAAAGCCGGTCCCGCAGCTGCTGAAGAATTGCTACTCCAATACAGAAT-3'